The following is an entry in ClinVar:

NM_001199107.2(TBC1D24):c.1363C>G (p.Pro455Ala)

Gene: TBC1D24 (TBC1 domain family member 24; plus strand). Cytogenetic location: 16p13.3.
Variant type: single nucleotide variant.
Coding change: c.1363C>G on transcript NM_001199107.2 (MANE Select); coding-DNA position 1363, C replaced by G.
Protein change: p.Pro455Ala; replaces proline 455 with alanine.
Molecular consequence: missense variant.
Genome position (GRCh38, 1-based): chr16:2,500,328, C>G. VCF-style: chr16-2500328-C-G. GRCh37 (hg19) VCF-style: chr16-2550329-C-G.
Other names: c.1345C>G, p.Pro449Ala (NM_020705.3); short protein forms P449A, P455A.
Identifiers: ClinVar variation 962829 (VCV000962829.10), dbSNP rs2065781206, ClinGen allele CA394380676.

ClinVar aggregate classification (germline): Uncertain significance (1 of 4 stars; one submission).

Conditions:
Developmental and epileptic encephalopathy, 1 (DEE1). Also called: X-linked infantile spasms; West's syndrome; Tonic spasms with clustering, arrest of psychomotor development and hypsarrhythmia on EEG; X-Linked Infantile Spasm Syndrome; OHTAHARA SYNDROME, X-LINKED; Epileptic encephalopathy, early infantile, 1. Identifiers: MedGen C3463992, MONDO:0010632, OMIM 308350. Disease mechanism: loss of function.
Autosomal dominant nonsyndromic hearing loss 65. Also called: Deafness, autosomal dominant 65; TBC1D24-Related Autosomal Dominant Nonsyndromic Hearing Loss (DFNA). Identifiers: Orphanet 90635, MedGen C3892048, MONDO:0014470, OMIM 616044.

Submission:

Labcorp Genetics (formerly Invitae), Labcorp
Classification: Uncertain significance for Developmental and epileptic encephalopathy, 1; Autosomal dominant nonsyndromic hearing loss 65. Last evaluated: 2019-11-03. Review status: criteria provided, single submitter. Criteria: Invitae Variant Classification Sherloc (09022015). Collection method: clinical testing. Allele origin: germline.
Comment: This sequence change replaces proline with alanine at codon 455 of the TBC1D24 protein (p.Pro455Ala). The proline residue is weakly conserved and there is a small physicochemical difference between proline and alanine. This variant is not present in population databases (ExAC no frequency). This variant has not been reported in the literature in individuals with TBC1D24-related conditions. Algorithms developed to predict the effect of missense changes on protein structure and function output the following: SIFT: "Tolerated"; PolyPhen-2: "Benign"; Align-GVGD: "Class C0". The alanine amino acid residue is found in multiple mammalian species, suggesting that this missense change does not adversely affect protein function. These predictions have not been confirmed by published functional studies and their clinical significance is uncertain. In summary, the available evidence is currently insufficient to determine the role of this variant in disease. Therefore, it has been classified as a Variant of Uncertain Significance.